The following is an entry in ClinVar:

ClinVar aggregate classification (germline): Uncertain significance. Review status: criteria provided, multiple submitters, no conflicts (2 of 4 stars). 3 submissions from 3 submitters: Uncertain significance (3). Last evaluated 2025-12-15.

Conditions:
Hereditary cancer-predisposing syndrome. Also called: Hereditary Cancer Syndrome; Neoplastic Syndromes, Hereditary; Tumor predisposition; Hereditary neoplastic syndrome. Identifiers: Orphanet 140162, MedGen C0027672, MeSH D009386, MONDO:0015356.
Multiple endocrine neoplasia, type 1 (MEN1). Also called: MEN I; WERMER SYNDROME; Endocrine adenomatosis multiple; MEN 1; MEA I. Identifiers: Orphanet 652, MedGen C0025267, MeSH D018761, MONDO:0007540, OMIM 131100.

Allele frequency attached by ClinVar (database versions not stated): gnomAD exomes below 0.00001.
gnomAD v4.1: 2 of 1,614,186 alleles (0.00012%); highest among the groups gnomAD compares: East Asian, 0.0022%; no homozygotes.

Submissions (3):

Ambry Genetics
Classification: Uncertain significance for Hereditary cancer-predisposing syndrome. Last evaluated: 2025-12-15. Review status: criteria provided, single submitter. Criteria: Ambry Variant Classification Scheme 2023. Collection method: clinical testing. Allele origin: germline.
Comment: The p.R332H variant (also known as c.995G>A), located in coding exon 6 of the MEN1 gene, results from a G to A substitution at nucleotide position 995. The arginine at codon 332 is replaced by histidine, an amino acid with highly similar properties. This amino acid position is highly conserved in available vertebrate species. In addition, the in silico prediction for this alteration is inconclusive. Since supporting evidence is limited at this time, the clinical significance of this alteration remains unclear.

All of Us Research Program, National Institutes of Health
Classification: Uncertain significance for Multiple endocrine neoplasia, type 1. Last evaluated: 2023-11-17. Review status: criteria provided, single submitter. Criteria: ACMG Guidelines, 2015. Collection method: clinical testing. Allele origin: germline. Inheritance: Autosomal dominant inheritance. Observed: 1 variant allele, 1 heterozygote.
Comment: This study involves interpretation of variants in research participants for the purpose of population health screening. Participant phenotype was not available at the time of variant classification. Additional details can be found in publication PMID: 35346344, PMCID: PMC8962531

Labcorp Genetics (formerly Invitae), Labcorp
Classification: Uncertain significance for Multiple endocrine neoplasia, type 1. Last evaluated: 2023-03-02. Review status: criteria provided, single submitter. Criteria: Invitae Variant Classification Sherloc (09022015). Collection method: clinical testing. Allele origin: germline.
Comment: Advanced modeling of protein sequence and biophysical properties (such as structural, functional, and spatial information, amino acid conservation, physicochemical variation, residue mobility, and thermodynamic stability) performed at Invitae indicates that this missense variant is expected to disrupt MEN1 protein function. In summary, the available evidence is currently insufficient to determine the role of this variant in disease. Therefore, it has been classified as a Variant of Uncertain Significance. ClinVar contains an entry for this variant (Variation ID: 1058045). This sequence change replaces arginine, which is basic and polar, with histidine, which is basic and polar, at codon 332 of the MEN1 protein (p.Arg332His). This variant is not present in population databases (gnomAD no frequency). This missense change has been observed in individual(s) with pituitary adenoma (PMID: 34313605). This variant is also known as R337H.

Literature cited by the submitters: PubMed 34313605 (cited by Labcorp Genetics (formerly Invitae), Labcorp).

NM_001370259.2(MEN1):c.995G>A (p.Arg332His)

Gene: MEN1 (menin 1; minus strand). Cytogenetic location: 11q13.1.
Variant type: single nucleotide variant.
Coding change: c.995G>A on transcript NM_001370259.2 (MANE Select); coding-DNA position 995, G replaced by A.
Protein change: p.Arg332His; replaces arginine 332 with histidine.
Molecular consequence: missense variant.
Genome position (GRCh38, 1-based): chr11:64,806,286, C>T on the plus strand (G>A on the coding strand, the complement: MEN1 is on the minus strand). VCF-style: chr11-64806286-C-T. GRCh37 (hg19) VCF-style: chr11-64573758-C-T.
Other names: c.1010G>A, p.Arg337His (NM_000244.4, NM_130800.3, NM_130801.3 and 3 more transcripts); c.995G>A, p.Arg332His (NM_001370251.2, NM_001370260.2, NM_001370261.2 and 1 more transcripts); c.890G>A, p.Arg297His (NM_001370262.2, NM_001370263.2); c.995G>A (NM_130799.2); short protein forms R297H, R332H, R337H.
Identifiers: ClinVar variation 1058045 (VCV001058045.12), dbSNP rs2136119513, ClinGen allele CA381183284.
Genomic context (GRCh38, chr11:64,806,286, plus strand): 5'-CCTCACTCCTGGATGACAGTGGCCGTGTCCGCCCAGGCCTGCAGGGCTTCCCGCACATTG[C>T]GGTTGCGACAGTGGTAGCCAGCCAGGTACATGTAGGGGTAGATGTGTTCATCCCGATAGT-3'
Protein context (NP_001357188.2, residues 322-342): MYLAGYHCRN[Arg332His]NVREALQAWA